The following is an entry in ClinVar:

ClinVar aggregate classification (germline): Benign/Likely benign. Review status: criteria provided, multiple submitters, no conflicts (2 of 4 stars). 5 submissions from 5 submitters: Benign (1); Likely benign (4). Last evaluated 2026-03-01.

Allele frequency attached by ClinVar (database versions not stated): gnomAD exomes 0.00007 and 0.00025; ExAC 0.00026; ESP Exome Variant Server 0.00031; TOPMed 0.00056; gnomAD 0.00064.
gnomAD v4.1: 159 of 1,613,684 alleles (0.0099%); highest among the groups gnomAD compares: African/African-American, 0.13%; no homozygotes.

Submissions (5):

CeGaT Center for Human Genetics Tuebingen
Classification: Likely benign. Last evaluated: 2026-03-01. Review status: criteria provided, single submitter. Criteria: CeGaT Center For Human Genetics Tuebingen Variant Classification Criteria Version 2. Collection method: clinical testing. Allele origin: germline. Affected: yes. Observed: 1 variant allele.
Comment: LARS2: BP4, BP7

Labcorp Genetics (formerly Invitae), Labcorp
Classification: Benign. Last evaluated: 2026-01-02. Review status: criteria provided, single submitter. Criteria: Invitae Variant Classification Sherloc (09022015). Collection method: clinical testing. Allele origin: germline.

Mayo Clinic Laboratories, Mayo Clinic
Classification: Likely benign. Last evaluated: 2024-11-08. Review status: criteria provided, single submitter. Criteria: ACMG Guidelines, 2015. Collection method: clinical testing. Allele origin: germline. Observed: 1 variant allele.
Comment: BP4, BP7

Blueprint Genetics
Classification: Likely benign. Last evaluated: 2024-06-12. Review status: criteria provided, single submitter. Criteria: ACMG Guidelines, 2015. Collection method: clinical testing. Allele origin: germline.

GeneDx
Classification: Likely benign. Last evaluated: 2020-01-13. Review status: criteria provided, single submitter. Criteria: GeneDx Variant Classification Process June 2021. Collection method: clinical testing. Allele origin: germline. Affected: yes.

NM_015340.4(LARS2):c.324C>T (p.Ser108=)

Gene: LARS2 (leucyl-tRNA synthetase 2, mitochondrial; plus strand). Cytogenetic location: 3p21.31.
Variant type: single nucleotide variant.
Coding change: c.324C>T on transcript NM_015340.4 (MANE Select); coding-DNA position 324, C replaced by T.
Protein change: p.Ser108=; no amino-acid change (serine 108 retained).
Molecular consequence: synonymous variant.
Genome position (GRCh38, 1-based): chr3:45,400,334, C>T. VCF-style: chr3-45400334-C-T. GRCh37 (hg19) VCF-style: chr3-45441826-C-T.
Other names: p.Ser108=; c.324C>T, p.Ser108= (NM_001368263.1).
Identifiers: ClinVar variation 382971 (VCV000382971.15), dbSNP rs140105027, ClinGen allele CA2349260.